The following is an entry in ClinVar:

ClinVar aggregate classification (germline): Uncertain significance. Review status: criteria provided, multiple submitters, no conflicts (2 of 4 stars). 2 submissions from 2 submitters: Uncertain significance (2). Last evaluated 2025-08-13.

Allele frequency attached by ClinVar (database versions not stated): ExAC 0.00001; TOPMed 0.00002; gnomAD exomes 0.00001.

Submissions (2):

Labcorp Genetics (formerly Invitae), Labcorp
Classification: Uncertain significance. Last evaluated: 2025-08-13. Review status: criteria provided, single submitter. Criteria: Invitae Variant Classification Sherloc (09022015). Collection method: clinical testing. Allele origin: germline.
Comment: This sequence change replaces arginine, which is basic and polar, with tryptophan, which is neutral and slightly polar, at codon 391 of the ATRIP protein (p.Arg391Trp). This variant is present in population databases (rs773221757, gnomAD 0.003%). This variant has not been reported in the literature in individuals affected with ATRIP-related conditions. ClinVar contains an entry for this variant (Variation ID: 1970025). An algorithm developed to predict the effect of missense changes on protein structure and function (PolyPhen-2) suggests that this variant is likely to be disruptive. In summary, the available evidence is currently insufficient to determine the role of this variant in disease. Therefore, it has been classified as a Variant of Uncertain Significance.

Ambry Genetics
Classification: Uncertain significance. Last evaluated: 2025-03-20. Review status: criteria provided, single submitter. Criteria: Ambry Variant Classification Scheme 2023. Collection method: clinical testing. Allele origin: germline.
Comment: The p.R391W variant (also known as c.1171C>T), located in coding exon 8 of the ATRIP gene, results from a C to T substitution at nucleotide position 1171. The arginine at codon 391 is replaced by tryptophan, an amino acid with dissimilar properties. This amino acid position is well conserved in available vertebrate species. In addition, the in silico prediction for this alteration is inconclusive. The evidence for this gene-disease relationship is limited; therefore, the clinical significance of this alteration is unclear.

NM_130384.3(ATRIP):c.1171C>T (p.Arg391Trp)

Genes: ATRIP (ATR interacting protein; plus strand), ATRIP-TREX1 (ATRIP-TREX1 readthrough; plus strand). Cytogenetic location: 3p21.31.
Variant type: single nucleotide variant.
Coding change: c.1171C>T on transcript NM_130384.3 (MANE Select); coding-DNA position 1171, C replaced by T.
Protein change: p.Arg391Trp; replaces arginine 391 with tryptophan.
Molecular consequence: missense variant. On other transcripts: non-coding transcript variant (1).
Genome position (GRCh38, 1-based): chr3:48,460,225, C>T. VCF-style: chr3-48460225-C-T. GRCh37 (hg19) VCF-style: chr3-48501624-C-T.
Other names: c.790C>T, p.Arg264Trp (NM_001271022.2); c.1171C>T, p.Arg391Trp (NM_032166.4); c.892C>T, p.Arg298Trp (NM_001271023.2); c.1171C>T (NM_130384.1); short protein forms R264W, R391W, R298W.
Identifiers: ClinVar variation 1970025 (VCV001970025.6), dbSNP rs773221757, ClinGen allele CA2376158.